The following is an entry in ClinVar:

NM_052844.4(DYNC2I2):c.1251C>T (p.Val417=)

Gene: DYNC2I2 (dynein 2 intermediate chain 2; minus strand). Cytogenetic location: 9q34.11.
Variant type: single nucleotide variant.
Coding change: c.1251C>T on transcript NM_052844.4 (MANE Select); coding-DNA position 1251, C replaced by T.
Protein change: p.Val417=; no amino-acid change (valine 417 retained).
Molecular consequence: synonymous variant.
Genome position (GRCh38, 1-based): chr9:128,634,347, G>A on the plus strand (C>T on the coding strand, the complement: DYNC2I2 is on the minus strand). VCF-style: chr9-128634347-G-A. GRCh37 (hg19) VCF-style: chr9-131396626-G-A.
Other names: c.1251C>T (NM_052844.3).
Identifiers: ClinVar variation 2037295 (VCV002037295.6), dbSNP rs775749607, ClinGen allele CA5266282.
Genomic context (GRCh38, chr9:128,634,347, plus strand): 5'-ATACTTGAGGGAGAGCTGCAGCGAAGTCAAGGGAGGGGCCTGCAGCATGGAGTACAGGTG[G>A]ACATGCCCGTCAGTCCCAGCGCTCAGGAAGAGATTCCTAGACGGGATGCAGGGGGCCAGG-3'
Protein context (NP_443076.2, residues 407-427): LFLSAGTDGH[Val417=]HLYSMLQAPP

ClinVar aggregate classification (germline): Likely benign. Review status: criteria provided, single submitter (1 of 4 stars). 2 submissions from 2 submitters: Likely benign (1). 1 of the submissions does not count toward it. Last evaluated 2022-08-16.

Conditions:
Short-rib thoracic dysplasia 11 with or without polydactyly (SRTD11). Also called: SHORT-RIB THORACIC DYSPLASIA 11 WITHOUT POLYDACTYLY. Identifiers: Orphanet 474, Orphanet 93271, MedGen C3810200, MONDO:0014287, OMIM 615633.
DYNC2I2-related disorder. Also called: DYNC2I2-related condition.

Allele frequency attached by ClinVar (database versions not stated): ExAC 0.00001; gnomAD exomes 0.00001.
gnomAD v4.1: 7 of 1,606,164 alleles (0.00044%); highest among the groups gnomAD compares: Admixed American, 0.0035%; no homozygotes.

Submissions (2):

Labcorp Genetics (formerly Invitae), Labcorp
Classification: Likely benign for Short-rib thoracic dysplasia 11 with or without polydactyly. Last evaluated: 2022-08-16. Review status: criteria provided, single submitter. Criteria: Invitae Variant Classification Sherloc (09022015). Collection method: clinical testing. Allele origin: germline.

PreventionGenetics, part of Exact Sciences
Classification: Likely benign for DYNC2I2-related condition. Last evaluated: 2019-03-22. Review status: no assertion criteria provided. Collection method: clinical testing. Allele origin: germline. Not counted in ClinVar's aggregate classification.
Comment: This variant is classified as likely benign based on ACMG/AMP sequence variant interpretation guidelines (Richards et al. 2015 PMID: 25741868, with internal and published modifications).